The following is an entry in ClinVar:

ClinVar aggregate classification (germline): Uncertain significance. Review status: criteria provided, multiple submitters, no conflicts (2 of 4 stars). 2 submissions from 2 submitters: Uncertain significance (2). Last evaluated 2025-03-31.

Conditions:
Inborn genetic diseases. Identifiers: MedGen C0950123, MeSH D030342.

Allele frequency attached by ClinVar (database versions not stated): ExAC 0.00005; gnomAD exomes 0.00001; gnomAD 0.00009; TOPMed 0.00007; ESP Exome Variant Server 0.00015.
gnomAD v4.1: 23 of 1,613,832 alleles (0.0014%); highest among the groups gnomAD compares: African/African-American, 0.028%; no homozygotes.

Submissions (2):

Labcorp Genetics (formerly Invitae), Labcorp
Classification: Uncertain significance. Last evaluated: 2025-03-31. Review status: criteria provided, single submitter. Criteria: Invitae Variant Classification Sherloc (09022015). Collection method: clinical testing. Allele origin: germline.
Comment: This sequence change replaces methionine, which is neutral and non-polar, with threonine, which is neutral and polar, at codon 220 of the INTU protein (p.Met220Thr). This variant is present in population databases (rs140900658, gnomAD 0.05%). This variant has not been reported in the literature in individuals affected with INTU-related conditions. ClinVar contains an entry for this variant (Variation ID: 2954842). Invitae Evidence Modeling of protein sequence and biophysical properties (such as structural, functional, and spatial information, amino acid conservation, physicochemical variation, residue mobility, and thermodynamic stability) indicates that this missense variant is not expected to disrupt INTU protein function with a negative predictive value of 80%. In summary, the available evidence is currently insufficient to determine the role of this variant in disease. Therefore, it has been classified as a Variant of Uncertain Significance.

Ambry Genetics
Classification: Uncertain significance for Inborn genetic diseases. Last evaluated: 2023-11-13. Review status: criteria provided, single submitter. Criteria: Ambry Variant Classification Scheme 2023. Collection method: clinical testing. Allele origin: germline.

NM_015693.4(INTU):c.659T>C (p.Met220Thr)

Gene: INTU (inturned planar cell polarity protein; plus strand). Cytogenetic location: 4q28.1.
Variant type: single nucleotide variant.
Coding change: c.659T>C on transcript NM_015693.4 (MANE Select); coding-DNA position 659, T replaced by C.
Protein change: p.Met220Thr; replaces methionine 220 with threonine.
Molecular consequence: missense variant.
Genome position (GRCh38, 1-based): chr4:127,644,033, T>C. VCF-style: chr4-127644033-T-C. GRCh37 (hg19) VCF-style: chr4-128565188-T-C.
Other names: c.659T>C (NM_015693.3); short protein forms M220T.
Identifiers: ClinVar variation 2954842 (VCV002954842.4), dbSNP rs140900658, ClinGen allele CA3074833.